The following is an entry in ClinVar:

NM_001267550.2(TTN):c.106496G>A (p.Gly35499Glu)

Genes: TTN (titin; minus strand), TTN-AS1 (TTN antisense RNA 1; plus strand). Cytogenetic location: 2q31.2.
Variant type: single nucleotide variant.
Coding change: c.106496G>A on transcript NM_001267550.2 (MANE Select); coding-DNA position 106496, G replaced by A.
Protein change: p.Gly35499Glu; replaces glycine 35499 with glutamic acid.
Molecular consequence: missense variant.
Genome position (GRCh38, 1-based): chr2:178,529,995, C>T on the plus strand (G>A on the coding strand, the complement: TTN is on the minus strand). VCF-style: chr2-178529995-C-T. GRCh37 (hg19) VCF-style: chr2-179394722-C-T.
Other names: c.101573G>A, p.Gly33858Glu (NM_001256850.1); c.79301G>A, p.Gly26434Glu (NM_003319.4); c.98792G>A, p.Gly32931Glu (NM_133378.4); c.79676G>A, p.Gly26559Glu (NM_133432.3); c.79877G>A, p.Gly26626Glu (NM_133437.4); short protein forms G26434E, G26626E, G33858E, G35499E, G26559E, G32931E.
Identifiers: ClinVar variation 2196669 (VCV002196669.4), dbSNP rs1211721189, ClinGen allele CA349405063.

ClinVar aggregate classification (germline): Uncertain significance (1 of 4 stars; one submission).

Conditions:
Dilated cardiomyopathy 1G (CMD1G). Identifiers: Orphanet 154, MedGen C1858763, MONDO:0011400, OMIM 604145.
Autosomal recessive limb-girdle muscular dystrophy type 2J (LGMDR10). Also called: Limb-girdle muscular dystrophy, type 2J; MUSCULAR DYSTROPHY, LIMB-GIRDLE, AUTOSOMAL RECESSIVE 10. Identifiers: Orphanet 140922, MedGen C1837342, MONDO:0012127, OMIM 608807.

Allele frequency attached by ClinVar (database versions not stated): gnomAD exomes below 0.00001.
gnomAD v4.1: 2 of 1,602,584 alleles (0.00012%); highest among the groups gnomAD compares: Non-Finnish European, 0.00017%; no homozygotes.

Submission:

Labcorp Genetics (formerly Invitae), Labcorp
Classification: Uncertain significance for Dilated cardiomyopathy 1G; Autosomal recessive limb-girdle muscular dystrophy type 2J. Last evaluated: 2024-03-25. Review status: criteria provided, single submitter. Criteria: Invitae Variant Classification Sherloc (09022015). Collection method: clinical testing. Allele origin: germline.
Comment: This sequence change replaces glycine, which is neutral and non-polar, with glutamic acid, which is acidic and polar, at codon 35499 of the TTN protein (p.Gly35499Glu). This variant is not present in population databases (gnomAD no frequency). This variant has not been reported in the literature in individuals affected with TTN-related conditions. ClinVar contains an entry for this variant (Variation ID: 2196669). Experimental studies and prediction algorithms are not available or were not evaluated, and the functional significance of this variant is currently unknown. This variant is located in the M band of TTN (PMID: 25589632). Non-truncating variants in this region may be relevant for neuromuscular disorders, but have not been definitively shown to cause cardiomyopathy (PMID: 23975875). In summary, the available evidence is currently insufficient to determine the role of this variant in disease. Therefore, it has been classified as a Variant of Uncertain Significance.

Literature cited by the submitters: PubMed 25589632; PubMed 23975875.